The following is an entry in ClinVar:

ClinVar aggregate classification (germline): Uncertain significance. Review status: criteria provided, multiple submitters, no conflicts (2 of 4 stars). 6 submissions from 6 submitters: Uncertain significance (6). Last evaluated 2025-08-11.

Conditions:
Classic or attenuated familial adenomatous polyposis. Identifiers: MedGen CN372698, MONDO:0021057.
Familial adenomatous polyposis 1 (FAP1). Also called: FAMILIAL ADENOMATOUS POLYPOSIS 1, ATTENUATED; POLYPOSIS, ADENOMATOUS INTESTINAL. Identifiers: MedGen C2713442, MONDO:0021056, OMIM 175100. Disease mechanism: loss of function.
Hereditary cancer-predisposing syndrome. Also called: Neoplastic Syndromes, Hereditary; Tumor predisposition; Hereditary Cancer Syndrome; Hereditary neoplastic syndrome. Identifiers: Orphanet 140162, MedGen C0027672, MeSH D009386, MONDO:0015356.

gnomAD v4.1: 1 of 1,614,040 alleles (0.000062%); highest among the groups gnomAD compares: Middle Eastern, 0.017%; no homozygotes.

Submissions (6):

Labcorp Genetics (formerly Invitae), Labcorp
Classification: Uncertain significance for Familial adenomatous polyposis 1. Last evaluated: 2025-08-11. Review status: criteria provided, single submitter. Criteria: Invitae Variant Classification Sherloc (09022015). Collection method: clinical testing. Allele origin: germline.
Comment: This sequence change replaces leucine, which is neutral and non-polar, with phenylalanine, which is neutral and non-polar, at codon 2217 of the APC protein (p.Leu2217Phe). This variant is not present in population databases (gnomAD no frequency). This variant has not been reported in the literature in individuals affected with APC-related conditions. ClinVar contains an entry for this variant (Variation ID: 233809). Invitae Evidence Modeling of protein sequence and biophysical properties (such as structural, functional, and spatial information, amino acid conservation, physicochemical variation, residue mobility, and thermodynamic stability) indicates that this missense variant is not expected to disrupt APC protein function with a negative predictive value of 95%. In summary, the available evidence is currently insufficient to determine the role of this variant in disease. Therefore, it has been classified as a Variant of Uncertain Significance.

St. Jude Molecular Pathology, St. Jude Children's Research Hospital
Classification: Uncertain significance for Familial adenomatous polyposis 1. Last evaluated: 2025-06-17. Review status: criteria provided, single submitter. Criteria: St. Jude Assertion Criteria 2020. Collection method: clinical testing. Allele origin: germline.
Comment: The APC c.6649C>T p.(Leu2217Phe) missense change is absent in gnomAD v2.1.1. The in silico tool REVEL is inconclusive about a pathogenic or benign effect of this variant on protein function, and to our knowledge functional studies have not been performed. To our knowledge, this variant has not been reported in the literature in individuals with APC-related disease. In summary, the evidence currently available is insufficient to determine the clinical significance of this variant. It has therefore been classified as of uncertain significance.

Color Diagnostics, LLC DBA Color Health
Classification: Uncertain significance for Hereditary cancer-predisposing syndrome. Last evaluated: 2024-12-23. Review status: criteria provided, single submitter. Criteria: ACMG Guidelines, 2015. Collection method: clinical testing. Allele origin: germline.
Comment: This missense variant replaces leucine with phenylalanine at codon 2217 of the APC protein. Computational prediction suggests that this variant may not impact protein structure and function (internally defined REVEL score threshold <= 0.5, PMID: 27666373). To our knowledge, functional studies have not been reported for this variant. This variant has not been reported in individuals affected with APC-related disorders in the literature. This variant has not been identified in the general population by the Genome Aggregation Database (gnomAD). The available evidence is insufficient to determine the role of this variant in disease conclusively. Therefore, this variant is classified as a Variant of Uncertain Significance.

Ambry Genetics
Classification: Uncertain significance for Hereditary cancer-predisposing syndrome. Last evaluated: 2024-11-14. Review status: criteria provided, single submitter. Criteria: Ambry Variant Classification Scheme 2023. Collection method: clinical testing. Allele origin: germline.
Comment: The p.L2217F variant (also known as c.6649C>T), located in coding exon 15 of the APC gene, results from a C to T substitution at nucleotide position 6649. The leucine at codon 2217 is replaced by phenylalanine, an amino acid with highly similar properties. This amino acid position is well conserved in available vertebrate species. In addition, in silico predictors for this gene do not accurately predict pathogenicity. Since supporting evidence is limited at this time, the clinical significance of this alteration remains unclear.

Baylor Genetics
Classification: Uncertain significance for Familial adenomatous polyposis 1. Last evaluated: 2023-05-05. Review status: criteria provided, single submitter. Criteria: ACMG Guidelines, 2015. Collection method: clinical testing. Allele origin: unknown.

All of Us Research Program, National Institutes of Health
Classification: Uncertain significance for Classic or attenuated familial adenomatous polyposis. Last evaluated: 2023-05-04. Review status: criteria provided, single submitter. Criteria: ACMG Guidelines, 2015. Collection method: clinical testing. Allele origin: germline. Inheritance: Autosomal dominant inheritance. Observed: 1 variant allele, 1 heterozygote.
Comment: This missense variant replaces leucine with phenylalanine at codon 2217 of the APC protein. Computational prediction suggests that this variant may not impact protein structure and function (internally defined REVEL score threshold <= 0.5, PMID: 27666373). To our knowledge, functional studies have not been reported for this variant. This variant has not been reported in individuals affected with APC-related disorders in the literature. This variant has not been identified in the general population by the Genome Aggregation Database (gnomAD). The available evidence is insufficient to determine the role of this variant in disease conclusively. Therefore, this variant is classified as a Variant of Uncertain Significance.

This study involves interpretation of variants in research participants for the purpose of population health screening. Participant phenotype was not available at the time of variant classification. Additional details can be found in publication PMID: 35346344, PMCID: PMC8962531

NM_000038.6(APC):c.6649C>T (p.Leu2217Phe)

Gene: APC (APC regulator of Wnt signaling pathway; plus strand). Cytogenetic location: 5q22.2.
Variant type: single nucleotide variant.
Coding change: c.6649C>T on transcript NM_000038.6 (MANE Select); coding-DNA position 6649, C replaced by T.
Protein change: p.Leu2217Phe; replaces leucine 2217 with phenylalanine.
Molecular consequence: missense variant.
Genome position (GRCh38, 1-based): chr5:112,842,243, C>T. VCF-style: chr5-112842243-C-T. GRCh37 (hg19) VCF-style: chr5-112177940-C-T.
Other names: c.6649C>T, p.Leu2217Phe (NM_001127510.3, NM_001354895.2); c.6595C>T, p.Leu2199Phe (NM_001127511.3); c.6703C>T, p.Leu2235Phe (NM_001354896.2); c.6679C>T, p.Leu2227Phe (NM_001354897.2); c.6574C>T, p.Leu2192Phe (NM_001354898.2); c.6565C>T, p.Leu2189Phe (NM_001354899.2); c.6526C>T, p.Leu2176Phe (NM_001354900.2); c.6472C>T, p.Leu2158Phe (NM_001354901.2); and 5 more; short protein forms L2199F, L2217F, L2057F, L2158F, L2189F, L2091F, L2116F, L2176F.
Identifiers: ClinVar variation 233809 (VCV000233809.25), dbSNP rs876660653, ClinGen allele CA10578434.